The following is an entry in ClinVar:

NM_177438.3(DICER1):c.1683A>C (p.Ile561=)

Gene: DICER1 (dicer 1, ribonuclease III; minus strand). Cytogenetic location: 14q32.13.
Variant type: single nucleotide variant.
Coding change: c.1683A>C on transcript NM_177438.3 (MANE Select); coding-DNA position 1683, A replaced by C.
Protein change: p.Ile561=; no amino-acid change (isoleucine 561 retained).
Molecular consequence: synonymous variant. On other transcripts: 5 prime UTR variant (1), non-coding transcript variant (6).
Genome position (GRCh38, 1-based): chr14:95,116,522, T>G on the plus strand (A>C on the coding strand, the complement: DICER1 is on the minus strand). VCF-style: chr14-95116522-T-G. GRCh37 (hg19) VCF-style: chr14-95582859-T-G.
Other names: c.1683A>C, p.Ile561= (NM_001195573.1, NM_001271282.3, NM_001291628.2 and 13 more transcripts); c.1401A>C, p.Ile467= (NM_001395686.1); c.1278A>C, p.Ile426= (NM_001395687.1, NM_001395688.1, NM_001395689.1 and 3 more transcripts); c.1116A>C, p.Ile372= (NM_001395691.1); c.-1A>C (NM_001395697.1).
Identifiers: ClinVar variation 1777948 (VCV001777948.4), dbSNP rs2543030232, ClinGen allele CA487845121.

ClinVar aggregate classification (germline): Benign/Likely benign. Review status: criteria provided, multiple submitters, no conflicts (2 of 4 stars). 3 submissions from 3 submitters: Benign (1); Likely benign (2). Last evaluated 2026-04-15.

Conditions:
DICER1-related tumor predisposition. Also called: DICER1 syndrome; DICER1-related pleuropulmonary blastoma cancer predisposition syndrome. Identifiers: Orphanet 284343, MedGen C3839822, MONDO:0100216.
Hereditary cancer-predisposing syndrome. Also called: Neoplastic Syndromes, Hereditary; Tumor predisposition; Hereditary neoplastic syndrome; Hereditary Cancer Syndrome. Identifiers: Orphanet 140162, MedGen C0027672, MeSH D009386, MONDO:0015356.

Submissions (3):

Myriad Genetics, Inc.
Classification: Benign for DICER1-related tumor predisposition. Last evaluated: 2026-04-15. Review status: criteria provided, single submitter. Criteria: Myriad Autosomal Dominant, Autosomal Recessive and X-Linked Classification Criteria (2023). Collection method: clinical testing. Allele origin: unknown.
Comment: This variant is considered benign. This variant is a silent/synonymous amino acid change and it is not expected to impact splicing.

Hereditary Cancer Group, L’Institut d'Investigació Biomèdica de Bellvitge
Classification: Likely benign for Hereditary cancer-predisposing syndrome. Last evaluated: 2024-12-19. Review status: criteria provided, single submitter. Criteria: Hatton et al. (Hum Mutat. 2023). Collection method: clinical testing. Allele origin: germline. Inheritance: Autosomal dominant inheritance. Affected: yes.
Comment: PM2_supporting, BP4, BP7

Ambry Genetics
Classification: Likely benign for Hereditary cancer-predisposing syndrome. Last evaluated: 2020-09-28. Review status: criteria provided, single submitter. Criteria: Ambry Variant Classification Scheme 2023. Collection method: clinical testing. Allele origin: germline.